The following is an entry in ClinVar:

ClinVar aggregate classification (germline): Uncertain significance. Review status: criteria provided, multiple submitters, no conflicts (2 of 4 stars). 6 submissions from 6 submitters: Uncertain significance (5). 1 of the submissions does not count toward it. Last evaluated 2024-12-02.

Conditions:
Inborn genetic diseases. Identifiers: MedGen C0950123, MeSH D030342.
Pyridoxine-dependent epilepsy (EPEO4). Also called: Pyridoxine-Dependent Epilepsy - ALDH7A1; EPILEPSY, EARLY-ONSET, 4, VITAMIN B6-DEPENDENT; Pyridoxine-Dependent Seizures; PYRIDOXINE DEPENDENCY WITH SEIZURES. Identifiers: Orphanet 3006, MedGen C1849508, MONDO:0009945, OMIM 266100. Disease mechanism: loss of function.
Leukoencephalopathy. Identifiers: MedGen C0270612, HP:0002352.

Allele frequency attached by ClinVar (database versions not stated): gnomAD exomes 0.00001 and 0.00004; gnomAD 0.00005 and 0.00006; ESP Exome Variant Server 0.00015; ExAC 0.00003; TOPMed 0.00007.
gnomAD v4.1: 22 of 1,614,020 alleles (0.0014%); highest among the groups gnomAD compares: African/African-American, 0.023%; no homozygotes.

Submissions (6):

Labcorp Genetics (formerly Invitae), Labcorp
Classification: Uncertain significance for Pyridoxine-dependent epilepsy. Last evaluated: 2024-12-02. Review status: criteria provided, single submitter. Criteria: Invitae Variant Classification Sherloc (09022015). Collection method: clinical testing. Allele origin: germline.
Comment: This sequence change replaces alanine, which is neutral and non-polar, with threonine, which is neutral and polar, at codon 384 of the ALDH7A1 protein (p.Ala384Thr). This variant is present in population databases (rs140947675, gnomAD 0.05%). This variant has not been reported in the literature in individuals affected with ALDH7A1-related conditions. ClinVar contains an entry for this variant (Variation ID: 391931). Invitae Evidence Modeling of protein sequence and biophysical properties (such as structural, functional, and spatial information, amino acid conservation, physicochemical variation, residue mobility, and thermodynamic stability) has been performed for this missense variant. However, the output from this modeling did not meet the statistical confidence thresholds required to predict the impact of this variant on ALDH7A1 protein function. In summary, the available evidence is currently insufficient to determine the role of this variant in disease. Therefore, it has been classified as a Variant of Uncertain Significance.

Women's Health and Genetics/Laboratory Corporation of America, LabCorp
Classification: Uncertain significance. Last evaluated: 2023-10-30. Review status: criteria provided, single submitter. Criteria: LabCorp Variant Classification Summary - May 2015. Collection method: clinical testing. Allele origin: germline.
Comment: Variant summary: ALDH7A1 c.1150G>A (p.Ala384Thr) results in a non-conservative amino acid change located in the Aldehyde dehydrogenase domain of the encoded protein sequence. Three of five in-silico tools predict a benign effect of the variant on protein function. The variant allele was found at a frequency of 4e-05 in 251376 control chromosomes. This frequency is not significantly higher than estimated for a pathogenic variant in ALDH7A1 causing Pyridoxine-Dependent Epilepsy (4e-05 vs 0.0018), allowing no conclusion about variant significance. To our knowledge, no occurrence of c.1150G>A in individuals affected with Pyridoxine-Dependent Epilepsy and no experimental evidence demonstrating its impact on protein function have been reported. Five submitters have cited clinical-significance assessments for this variant to ClinVar after 2014. All submitters classified the variant as uncertain significance. Based on the evidence outlined above, the variant was classified as uncertain significance.

Genome-Nilou Lab
Classification: Uncertain significance for Pyridoxine-dependent epilepsy. Last evaluated: 2023-04-11. Review status: criteria provided, single submitter. Criteria: ACMG Guidelines, 2015. Collection method: clinical testing. Allele origin: germline. Affected: no.

Ambry Genetics
Classification: Uncertain significance for Inborn genetic diseases. Last evaluated: 2021-06-25. Review status: criteria provided, single submitter. Criteria: Ambry Variant Classification Scheme 2023. Collection method: clinical testing. Allele origin: germline.

GeneDx
Classification: Uncertain significance. Last evaluated: 2016-12-19. Review status: criteria provided, single submitter. Criteria: GeneDx Variant Classification (06012015). Collection method: clinical testing. Allele origin: germline. Affected: yes.
Comment: A variant of uncertain significance has been identified in the ALDH7A1 gene. The A384T variant has not been published as a pathogenic variant, nor has it been reported as a benign variant to our knowledge. The A384T variant is not observed at a significant frequency in large population cohorts (Lek et al., 2016; 1000 Genomes Consortium et al., 2015; Exome Variant Server). The A384T variant is a non-conservative amino acid substitution, which is likely to impact secondary protein structure as these residues differ in polarity, charge, size and/or other properties. This substitution occurs at a position that is conserved across species; however, Threonine is observed at this position in evolution. In silico analysis is inconsistent in its predictions as to whether or not the variant is damaging to the protein structure/function. Therefore, based on the currently available information, it is unclear whether this variant is a pathogenic variant or a rare benign variant.

Clinical Molecular Genetics Laboratory, Johns Hopkins All Children's Hospital
Classification: Uncertain significance for Leukoencephalopathy. Last evaluated: 2016-10-06. Review status: no assertion criteria provided. Collection method: clinical testing. Allele origin: germline. Affected: yes. Not counted in ClinVar's aggregate classification.

NM_001182.5(ALDH7A1):c.1150G>A (p.Ala384Thr)

Gene: ALDH7A1 (aldehyde dehydrogenase 7 family member A1; minus strand). Cytogenetic location: 5q23.2.
Variant type: single nucleotide variant.
Coding change: c.1150G>A on transcript NM_001182.5 (MANE Select); coding-DNA position 1150, G replaced by A.
Protein change: p.Ala384Thr; replaces alanine 384 with threonine.
Molecular consequence: missense variant. On other transcripts: intron variant (1).
Genome position (GRCh38, 1-based): chr5:126,554,337, C>T on the plus strand (G>A on the coding strand, the complement: ALDH7A1 is on the minus strand). VCF-style: chr5-126554337-C-T. GRCh37 (hg19) VCF-style: chr5-125890029-C-T.
Other names: c.1066G>A, p.Ala356Thr (NM_001201377.2); c.1009-2200G>A (NM_001202404.2); short protein forms A384T, A356T.
Identifiers: ClinVar variation 391931 (VCV000391931.12), dbSNP rs140947675, ClinGen allele CA3389512.